The following is an entry in ClinVar:

NM_015693.4(INTU):c.1627C>T (p.Arg543Cys)

Gene: INTU (inturned planar cell polarity protein; plus strand). Cytogenetic location: 4q28.1.
Variant type: single nucleotide variant.
Coding change: c.1627C>T on transcript NM_015693.4 (MANE Select); coding-DNA position 1627, C replaced by T.
Protein change: p.Arg543Cys; replaces arginine 543 with cysteine.
Molecular consequence: missense variant.
Genome position (GRCh38, 1-based): chr4:127,705,651, C>T. VCF-style: chr4-127705651-C-T. GRCh37 (hg19) VCF-style: chr4-128626806-C-T.
Other names: short protein forms R543C.
Identifiers: ClinVar variation 3701701 (VCV003701701.2).

ClinVar aggregate classification (germline): Uncertain significance (1 of 4 stars; one submission).

gnomAD v4.1: 9 of 1,613,836 alleles (0.00056%); highest among the groups gnomAD compares: African/African-American, 0.0027%; no homozygotes.

Submission:

Labcorp Genetics (formerly Invitae), Labcorp
Classification: Uncertain significance. Last evaluated: 2024-12-15. Review status: criteria provided, single submitter. Criteria: Invitae Variant Classification Sherloc (09022015). Collection method: clinical testing. Allele origin: germline.
Comment: This sequence change replaces arginine, which is basic and polar, with cysteine, which is neutral and slightly polar, at codon 543 of the INTU protein (p.Arg543Cys). This variant is present in population databases (rs143244412, gnomAD 0.007%). This variant has not been reported in the literature in individuals affected with INTU-related conditions. Invitae Evidence Modeling of protein sequence and biophysical properties (such as structural, functional, and spatial information, amino acid conservation, physicochemical variation, residue mobility, and thermodynamic stability) indicates that this missense variant is expected to disrupt INTU protein function with a positive predictive value of 80%. In summary, the available evidence is currently insufficient to determine the role of this variant in disease. Therefore, it has been classified as a Variant of Uncertain Significance.